The following is an entry in ClinVar:

NM_001854.4(COL11A1):c.1553C>T (p.Ala518Val)

Gene: COL11A1 (collagen type XI alpha 1 chain; minus strand). Cytogenetic location: 1p21.1.
Variant type: single nucleotide variant.
Coding change: c.1553C>T on transcript NM_001854.4 (MANE Select); coding-DNA position 1553, C replaced by T.
Protein change: p.Ala518Val; replaces alanine 518 with valine.
Molecular consequence: missense variant. On other transcripts: non-coding transcript variant (1).
Genome position (GRCh38, 1-based): chr1:103,014,530, G>A on the plus strand (C>T on the coding strand, the complement: COL11A1 is on the minus strand). VCF-style: chr1-103014530-G-A. GRCh37 (hg19) VCF-style: chr1-103480086-G-A.
Other names: c.1205C>T, p.Ala402Val (NM_080630.4, NM_001168249.1); c.1436C>T, p.Ala479Val (NM_001190709.2); c.1589C>T, p.Ala530Val (NM_080629.3); short protein forms A402V, A530V, A518V, A479V.
Identifiers: ClinVar variation 2130094 (VCV002130094.4), dbSNP rs2525489526, ClinGen allele CA341179054.

ClinVar aggregate classification (germline): Uncertain significance (1 of 4 stars; one submission).

Submission:

Labcorp Genetics (formerly Invitae), Labcorp
Classification: Uncertain significance. Last evaluated: 2022-04-24. Review status: criteria provided, single submitter. Criteria: Invitae Variant Classification Sherloc (09022015). Collection method: clinical testing. Allele origin: germline.
Comment: In summary, the available evidence is currently insufficient to determine the role of this variant in disease. Therefore, it has been classified as a Variant of Uncertain Significance. Advanced modeling of protein sequence and biophysical properties (such as structural, functional, and spatial information, amino acid conservation, physicochemical variation, residue mobility, and thermodynamic stability) performed at Invitae indicates that this missense variant is not expected to disrupt COL11A1 protein function. This variant has not been reported in the literature in individuals affected with COL11A1-related conditions. This variant is not present in population databases (gnomAD no frequency). This sequence change replaces alanine, which is neutral and non-polar, with valine, which is neutral and non-polar, at codon 518 of the COL11A1 protein (p.Ala518Val).